The following is an entry in ClinVar:

ClinVar aggregate classification (germline): Pathogenic/Likely pathogenic. Review status: criteria provided, multiple submitters, no conflicts (2 of 4 stars). 8 submissions from 8 submitters: Pathogenic (5); Likely pathogenic (3). Last evaluated 2025-10-14.

Conditions:
Cardioencephalomyopathy, fatal infantile, due to cytochrome c oxidase deficiency 1 (MC4DN2). Also called: MITOCHONDRIAL COMPLEX IV DEFICIENCY, NUCLEAR TYPE 2; CYTOCHROME c OXIDASE DEFICIENCY, FATAL INFANTILE, WITH CARDIOENCEPHALOMYOPATHY. Identifiers: Orphanet 1561, MedGen C5399977, MONDO:0011451, OMIM 604377.
Myopia 6 (MYP6). Identifiers: MedGen C1837148, MONDO:0012154, OMIM 608908.

Allele frequency attached by ClinVar (database versions not stated): gnomAD 0.00001; ExAC 0.00002.
gnomAD v4.1: 23 of 1,613,906 alleles (0.0014%); highest among the groups gnomAD compares: East Asian, 0.018%; no homozygotes.

Submissions (8):

Labcorp Genetics (formerly Invitae), Labcorp
Classification: Pathogenic. Last evaluated: 2025-10-14. Review status: criteria provided, single submitter. Criteria: Invitae Variant Classification Sherloc (09022015). Collection method: clinical testing. Allele origin: germline.
Comment: This sequence change replaces glycine, which is neutral and non-polar, with serine, which is neutral and polar, at codon 193 of the SCO2 protein (p.Gly193Ser). This variant is present in population databases (rs759452074, gnomAD 0.03%). This missense change has been observed in individuals with clinical features of cardioencephalomyopathy (PMID: 19353847, 29193756, 32600061). It has also been observed to segregate with disease in related individuals. ClinVar contains an entry for this variant (Variation ID: 1913825). Invitae Evidence Modeling of protein sequence and biophysical properties (such as structural, functional, and spatial information, amino acid conservation, physicochemical variation, residue mobility, and thermodynamic stability) indicates that this missense variant is expected to disrupt SCO2 protein function with a positive predictive value of 80%. For these reasons, this variant has been classified as Pathogenic.

First Genomix Gene Laboratory, Genetic Diagnostics Department
Classification: Likely pathogenic for Cardioencephalomyopathy, fatal infantile, due to cytochrome c oxidase deficiency 1. Last evaluated: 2025-09-19. Review status: criteria provided, single submitter. Criteria: ACMG Guidelines, 2015. Collection method: clinical testing. Allele origin: germline. Inheritance: Autosomal recessive inheritance. Affected: no. Observed: 1 variant allele.

Fulgent Genetics
Classification: Pathogenic for Cardioencephalomyopathy, fatal infantile, due to cytochrome c oxidase deficiency 1; Myopia 6. Last evaluated: 2024-03-21. Review status: criteria provided, single submitter. Criteria: ACMG Guidelines, 2015. Collection method: clinical testing. Allele origin: germline.

Baylor Genetics
Classification: Pathogenic for Cardioencephalomyopathy, fatal infantile, due to cytochrome c oxidase deficiency 1. Last evaluated: 2024-03-01. Review status: criteria provided, single submitter. Criteria: ACMG Guidelines, 2015. Collection method: clinical testing. Allele origin: unknown.

Mayo Clinic Laboratories, Mayo Clinic
Classification: Likely pathogenic. Last evaluated: 2023-06-15. Review status: criteria provided, single submitter. Criteria: ACMG Guidelines, 2015. Collection method: clinical testing. Allele origin: germline. Observed: 1 variant allele.
Comment: PP3, PP4, PM2, PM3

Women's Health and Genetics/Laboratory Corporation of America, LabCorp
Classification: Pathogenic for Cardioencephalomyopathy, fatal infantile, due to cytochrome c oxidase deficiency 1. Last evaluated: 2023-05-15. Review status: criteria provided, single submitter. Criteria: LabCorp Variant Classification Summary - May 2015. Collection method: clinical testing. Allele origin: germline.
Comment: Variant summary: SCO2 c.577G>A (p.Gly193Ser) results in a non-conservative amino acid change located in the Thioredoxin domain (IPR013766) of the encoded protein sequence. Five of five in-silico tools predict a damaging effect of the variant on protein function. The variant allele was found at a frequency of 3.2e-05 in 251350 control chromosomes (gnomAD). The available data on variant occurrences in the general population are insufficient to allow any conclusion about variant significance. c.577G>A has been reported in the literature in both compound heterozygous and homozygous individuals affected with Mitochondrial complex IV deficiency (e.g., Mobley_2009, Ogawa_2017, Hirono_2020) as well as an individual with mitochondrial complex IV deficiency presenting with adult-onset, slowly-progressive cerebellar ataxia, sensoral nueronopathy, deafness, pigmentary retinopathy, and cataract (e.g., Rucheton_2021). These data indicate that the variant is likely to be associated with disease. At least one publication reports experimental evidence evaluating an impact on protein function, finding that the variant results in mitochondrial ultrastructural abnormalities and a severely attenuated response to inotropic interventions in induced pluripotent stem cell-derived cardiomyocytes from a homozygous patient (e.g., Hallas_2018). The following publications have been ascertained in the context of this evaluation (PMID: 29193756, 32600061, 19353847, 28429146, 34746378). One clinical diagnostic laboratory has submitted clinical-significance assessments for this variant to ClinVar after 2014 and classified the variant as pathogenic. Based on the evidence outlined above, the variant was classified as pathogenic.

Juno Genomics, Hangzhou Juno Genomics, Inc
Classification: Likely pathogenic for Cardioencephalomyopathy, fatal infantile, due to cytochrome c oxidase deficiency 1; Myopia 6. Review status: criteria provided, single submitter. Criteria: ACMG Guidelines, 2015. Collection method: clinical testing. Allele origin: germline.
Comment: Absent from controls (or at extremely low frequency if recessive) in Genome Aggregation Database.;Well-established in vitro or in vivo functional studies supportive of a damaging effect on the gene or gene product.;For recessive disorders, detected in trans with a pathogenic variant.;Patient's phenotype or family history is highly specific for a disease with a single genetic etiology.

Kasturba Medical College, Manipal, Kasturba Medical College, Manipal, Manipal Academy of Higher Education, Manipal, India
Classification: Pathogenic for Cardioencephalomyopathy, fatal infantile, due to cytochrome c oxidase deficiency 1. Review status: criteria provided, single submitter. Criteria: ACMG Guidelines, 2015. Collection method: research. Allele origin: biparental. Inheritance: Autosomal recessive inheritance. Affected: yes.
Comment: This variant is present in 23 individuals in the heterozygous state and is absent in the homozygous state in the population database gnomAD (v4.1.0). This variant is absent in our in-house database of 3,650 exomes in heterozygous and/or homozygous state. The variant is classified as pathogenic in multiple independent entries in the ClinVar database (ClinVar ID: VCV001913825.9). In-silico tools (REVEL, CADD-phred) are consistent in predicting a damaging effect on protein function.

Literature cited by the submitters: PubMed 19353847 (cited by 3 submitters); PubMed 29193756 (cited by 3 submitters); PubMed 32600061 (cited by 3 submitters); PubMed 20445193 (cited by Mayo Clinic Laboratories, Mayo Clinic); PubMed 23407777 (cited by Mayo Clinic Laboratories, Mayo Clinic); PubMed 25097374 (cited by Mayo Clinic Laboratories, Mayo Clinic); PubMed 28429146 (cited by Mayo Clinic Laboratories, Mayo Clinic and Women's Health and Genetics/Laboratory Corporation of America, LabCorp); PubMed 31967322 (cited by Mayo Clinic Laboratories, Mayo Clinic); PubMed 34746378 (cited by Mayo Clinic Laboratories, Mayo Clinic and Women's Health and Genetics/Laboratory Corporation of America, LabCorp); PubMed 35083221 (cited by Mayo Clinic Laboratories, Mayo Clinic); PubMed 36678915 (cited by Mayo Clinic Laboratories, Mayo Clinic); PubMed 26741492 (cited by Kasturba Medical College, Manipal, Kasturba Medical College, Manipal, Manipal Academy of Higher Education, Manipal, India).

NM_005138.3(SCO2):c.577G>A (p.Gly193Ser)

Genes: NCAPH2 (non-SMC condensin II complex subunit H2; plus strand), SCO2 (synthesis of cytochrome C oxidase 2; minus strand). Cytogenetic location: 22q13.33.
Variant type: single nucleotide variant.
Coding change: c.577G>A on transcript NM_005138.3 (MANE Select); coding-DNA position 577, G replaced by A.
Protein change: p.Gly193Ser; replaces glycine 193 with serine.
Molecular consequence: missense variant. On other transcripts: 3 prime UTR variant (2).
Genome position (GRCh38, 1-based): chr22:50,523,835, C>T on the plus strand (G>A on the coding strand, the complement: SCO2 is on the minus strand). VCF-style: chr22-50523835-C-T. GRCh37 (hg19) VCF-style: chr22-50962264-C-T.
Other names: p.Gly193Ser; c.*460C>T (NM_001185011.2, NM_152299.4); c.577G>A, p.Gly193Ser (NM_001169109.2, NM_001169110.1, NM_001169111.2); short protein forms G193S.
Identifiers: ClinVar variation 1913825 (VCV001913825.14), dbSNP rs759452074, ClinGen allele CA10321169.